The following is an entry in ClinVar:

NM_000372.5(TYR):c.133C>T (p.Pro45Ser)

Gene: TYR (tyrosinase; plus strand). Cytogenetic location: 11q14.3.
Variant type: single nucleotide variant.
Coding change: c.133C>T on transcript NM_000372.5 (MANE Select); coding-DNA position 133, C replaced by T.
Protein change: p.Pro45Ser; replaces proline 45 with serine.
Molecular consequence: missense variant.
Genome position (GRCh38, 1-based): chr11:89,178,086, C>T. VCF-style: chr11-89178086-C-T. GRCh37 (hg19) VCF-style: chr11-88911254-C-T.
Other names: short protein forms P45S.
Identifiers: ClinVar variation 2135013 (VCV002135013.4), dbSNP rs13312739, ClinGen allele CA382033541.

ClinVar aggregate classification (germline): Uncertain significance (1 of 4 stars; one submission).

gnomAD v4.1: 2 of 1,614,160 alleles (0.00012%); highest among the groups gnomAD compares: Admixed American, 0.0017%; no homozygotes.

Submission:

Labcorp Genetics (formerly Invitae), Labcorp
Classification: Uncertain significance. Last evaluated: 2023-05-15. Review status: criteria provided, single submitter. Criteria: Invitae Variant Classification Sherloc (09022015). Collection method: clinical testing. Allele origin: germline.
Comment: This variant is not present in population databases (gnomAD no frequency). This sequence change replaces proline, which is neutral and non-polar, with serine, which is neutral and polar, at codon 45 of the TYR protein (p.Pro45Ser). Advanced modeling of protein sequence and biophysical properties (such as structural, functional, and spatial information, amino acid conservation, physicochemical variation, residue mobility, and thermodynamic stability) performed at Invitae indicates that this missense variant is not expected to disrupt TYR protein function. This variant has not been reported in the literature in individuals affected with TYR-related conditions. ClinVar contains an entry for this variant (Variation ID: 2135013). In summary, the available evidence is currently insufficient to determine the role of this variant in disease. Therefore, it has been classified as a Variant of Uncertain Significance.